The following is an entry in ClinVar:

NM_022552.5(DNMT3A):c.2103C>T (p.Phe701=)

Gene: DNMT3A (DNA methyltransferase 3 alpha; minus strand). Cytogenetic location: 2p23.3.
Variant type: single nucleotide variant.
Coding change: c.2103C>T on transcript NM_022552.5 (MANE Select); coding-DNA position 2103, C replaced by T.
Protein change: p.Phe701=; no amino-acid change (phenylalanine 701 retained).
Molecular consequence: synonymous variant. On other transcripts: non-coding transcript variant (1).
Genome position (GRCh38, 1-based): chr2:25,240,710, G>A on the plus strand (C>T on the coding strand, the complement: DNMT3A is on the minus strand). VCF-style: chr2-25240710-G-A. GRCh37 (hg19) VCF-style: chr2-25463579-G-A.
Other names: c.1647C>T, p.Phe549= (NM_001320893.1); c.1434C>T, p.Phe478= (NM_001375819.1); c.1536C>T, p.Phe512= (NM_153759.3); c.2103C>T, p.Phe701= (NM_175629.2); c.2103C>T (NM_175629.1).
Identifiers: ClinVar variation 3037111 (VCV003037111.3), dbSNP rs774885118, ClinGen allele CA1555747.

ClinVar aggregate classification (germline): Likely benign. Review status: criteria provided, single submitter (1 of 4 stars). 2 submissions from 2 submitters: Likely benign (1). 1 of the submissions does not count toward it. Last evaluated 2024-11-14.

Conditions:
Inborn genetic diseases. Identifiers: MedGen C0950123, MeSH D030342.
DNMT3A-related disorder. Also called: DNMT3A-related condition; DNMT3A-related disorders.

Allele frequency attached by ClinVar (database versions not stated): ExAC 0.00001; gnomAD 0.00001; gnomAD exomes 0.00001; TOPMed 0.00001.
gnomAD v4.1: 11 of 1,614,072 alleles (0.00068%); highest among the groups gnomAD compares: Admixed American, 0.0017%; no homozygotes.

Submissions (2):

Ambry Genetics
Classification: Likely benign for Inborn genetic diseases. Last evaluated: 2024-11-14. Review status: criteria provided, single submitter. Criteria: Ambry Variant Classification Scheme 2023. Collection method: clinical testing. Allele origin: germline.

PreventionGenetics, part of Exact Sciences
Classification: Likely benign for DNMT3A-related condition. Last evaluated: 2021-09-10. Review status: no assertion criteria provided. Collection method: clinical testing. Allele origin: germline. Not counted in ClinVar's aggregate classification.
Comment: This variant is classified as likely benign based on ACMG/AMP sequence variant interpretation guidelines (Richards et al. 2015 PMID: 25741868, with internal and published modifications).